The following is an entry in ClinVar:

NM_213720.3(CHCHD10):c.27C>T (p.Ala9=)

Gene: CHCHD10 (coiled-coil-helix-coiled-coil-helix domain containing 10; minus strand). Cytogenetic location: 22q11.23.
Variant type: single nucleotide variant.
Coding change: c.27C>T on transcript NM_213720.3 (MANE Select); coding-DNA position 27, C replaced by T.
Protein change: p.Ala9=; no amino-acid change (alanine 9 retained).
Molecular consequence: synonymous variant. On other transcripts: non-coding transcript variant (2).
Genome position (GRCh38, 1-based): chr22:23,767,848, G>A on the plus strand (C>T on the coding strand, the complement: CHCHD10 is on the minus strand). VCF-style: chr22-23767848-G-A. GRCh37 (hg19) VCF-style: chr22-24110035-G-A.
Other names: c.27C>T, p.Ala9= (NM_001301339.2).
Identifiers: ClinVar variation 3037190 (VCV003037190.2), dbSNP rs2145928012, ClinGen allele CA513747161.

ClinVar aggregate classification (germline): Likely benign (0 of 4 stars; one submission).

Conditions:
CHCHD10-related disorder. Also called: CHCHD10-Related Disorders; CHCHD10-related condition. Identifiers: MedGen CN381526.

Submission:

PreventionGenetics, part of Exact Sciences
Classification: Likely benign for CHCHD10-related condition. Last evaluated: 2021-03-22. Review status: no assertion criteria provided. Collection method: clinical testing. Allele origin: germline.
Comment: This variant is classified as likely benign based on ACMG/AMP sequence variant interpretation guidelines (Richards et al. 2015 PMID: 25741868, with internal and published modifications).